The following is an entry in ClinVar:

NM_003002.4(SDHD):c.314+5G>A

Gene: SDHD (succinate dehydrogenase complex subunit D; plus strand). Cytogenetic location: 11q23.1.
Variant type: single nucleotide variant.
Coding change: c.314+5G>A on transcript NM_003002.4 (MANE Select); 5 bases into the intron after coding-DNA position 314, G replaced by A.
Molecular consequence: intron variant.
Genome position (GRCh38, 1-based): chr11:112,089,016, G>A. VCF-style: chr11-112089016-G-A. GRCh37 (hg19) VCF-style: chr11-111959740-G-A.
Other names: c.314+5G>A (NM_001276506.2); c.169+1043G>A (NM_001276503.2); c.197+5G>A (NM_001276504.2).
Identifiers: ClinVar variation 568131 (VCV000568131.8), dbSNP rs1566695035, ClinGen allele CA658655598.
Genomic context (GRCh38, chr11:112,089,016, plus strand): 5'-CCTTGCTCTGCGATGGACTATTCCCTGGCTGCAGCCCTCACTCTTCATGGTCACTGGCAA[G>A]TATAGCAATTCCAAATATAGTTGTCTGCTCAGTTTGTTTGCTGTGAGCTTGTCTTATGTA-3'

ClinVar aggregate classification (germline): Conflicting classifications of pathogenicity. Review status: criteria provided, conflicting classifications (1 of 4 stars). 2 submissions from 2 submitters: Pathogenic (1); Uncertain significance (1). Last evaluated 2024-02-23.

Conditions:
Cowden syndrome 3 (CWS3). Identifiers: Orphanet 201, MedGen CN166604, MONDO:0014045.
Carney-Stratakis syndrome. Also called: PARAGANGLIOMA AND GASTROINTESTINAL STROMAL TUMOR. Identifiers: Orphanet 97286, MedGen C1847319, MONDO:0011740, OMIM 606864.
Pheochromocytoma. Also called: MAX-Related Hereditary Paraganglioma-Pheochromocytoma Syndrome. Identifiers: Orphanet 29072, MedGen C0031511, MONDO:0008233, OMIM 171300, HP:0002666.
Paragangliomas with sensorineural hearing loss. Identifiers: MedGen C1868633.

Submissions (2):

Labcorp Genetics (formerly Invitae), Labcorp
Classification: Pathogenic for Carney-Stratakis syndrome; Paragangliomas with sensorineural hearing loss; Pheochromocytoma; Cowden syndrome 3. Last evaluated: 2024-02-23. Review status: criteria provided, single submitter. Criteria: Invitae Variant Classification Sherloc (09022015). Collection method: clinical testing. Allele origin: germline.
Comment: This sequence change falls in intron 3 of the SDHD gene. It does not directly change the encoded amino acid sequence of the SDHD protein. RNA analysis indicates that this variant induces altered splicing and likely disrupts the C-terminus of the protein. This variant is not present in population databases (gnomAD no frequency). This variant has been observed in individual(s) with bilateral paragangliomas (Invitae). ClinVar contains an entry for this variant (Variation ID: 568131). Variants that disrupt the consensus splice site are a relatively common cause of aberrant splicing (PMID: 17576681, 9536098). Studies have shown that this variant results in skipping of exon 3 and introduces a new termination codon (Invitae). However the mRNA is not expected to undergo nonsense-mediated decay. This variant disrupts a region of the SDHD protein in which other variant(s) (p.Gln121* ) have been determined to be pathogenic (PMID: 12000816; Invitae). This suggests that this is a clinically significant region of the protein, and that variants that disrupt it are likely to be disease-causing. For these reasons, this variant has been classified as Pathogenic.

GeneDx
Classification: Uncertain significance. Last evaluated: 2019-10-15. Review status: criteria provided, single submitter. Criteria: GeneDx Variant Classification Process June 2021. Collection method: clinical testing. Allele origin: germline. Affected: yes.
Comment: Not observed in large population cohorts (Lek et al., 2016); In-silico analysis, which includes splice predictors and evolutionary conservation, is inconclusive as to whether the variant alters gene splicing. In the absence of RNA/functional studies, the actual effect of this sequence change is unknown.; Has not been previously published as pathogenic or benign to our knowledge; This variant is associated with the following publications: (PMID: 32123317)

Literature cited by the submitters: PubMed 17576681 (cited by Labcorp Genetics (formerly Invitae), Labcorp); PubMed 9536098 (cited by Labcorp Genetics (formerly Invitae), Labcorp); PubMed 12000816 (cited by Labcorp Genetics (formerly Invitae), Labcorp).